The following is an entry in ClinVar:

ClinVar aggregate classification (germline): Likely benign. Review status: criteria provided, multiple submitters, no conflicts (2 of 4 stars). 2 submissions from 2 submitters: Likely benign (2). Last evaluated 2025-07-01.

Conditions:
MEGF10-related myopathy (CMYO10A). Also called: Congenital myopathy 10A, severe variant. Identifiers: Orphanet 439212, MedGen C3280679, MONDO:0013731, OMIM 614399.

Allele frequency attached by ClinVar (database versions not stated): gnomAD 0.00001; gnomAD exomes 0.00001; TOPMed 0.00001.
gnomAD v4.1: 11 of 1,613,962 alleles (0.00068%); highest among the groups gnomAD compares: Non-Finnish European, 0.00076%; no homozygotes.

Submissions (2):

Labcorp Genetics (formerly Invitae), Labcorp
Classification: Likely benign for MEGF10-related myopathy. Last evaluated: 2025-07-01. Review status: criteria provided, single submitter. Criteria: Invitae Variant Classification Sherloc (09022015). Collection method: clinical testing. Allele origin: germline.

CeGaT Center for Human Genetics Tuebingen
Classification: Likely benign. Last evaluated: 2022-05-01. Review status: criteria provided, single submitter. Criteria: CeGaT Center For Human Genetics Tuebingen Variant Classification Criteria Version 2. Collection method: clinical testing. Allele origin: germline. Affected: yes. Observed: 1 variant allele.
Comment: MEGF10: BP4, BP7

NM_001256545.2(MEGF10):c.2847T>C (p.Thr949=)

Gene: MEGF10 (multiple EGF like domains 10; plus strand). Cytogenetic location: 5q23.2.
Variant type: single nucleotide variant.
Coding change: c.2847T>C on transcript NM_001256545.2 (MANE Select); coding-DNA position 2847, T replaced by C.
Protein change: p.Thr949=; no amino-acid change (threonine 949 retained).
Molecular consequence: synonymous variant.
Genome position (GRCh38, 1-based): chr5:127,447,675, T>C. VCF-style: chr5-127447675-T-C. GRCh37 (hg19) VCF-style: chr5-126783367-T-C.
Other names: c.2847T>C, p.Thr949= (NM_032446.3).
Identifiers: ClinVar variation 2655670 (VCV002655670.25), dbSNP rs955430918, ClinGen allele CA126968321.
Genomic context (GRCh38, chr5:127,447,675, plus strand): 5'-TTACCACACGCTCACCCAGTGTGCCACATCCCCTCACGTCAACAACAGGGACAGGATGAC[T>C]GTCACGAAGGTGAGAGGAATTGGTTCAAGTCTTTGGAAGTGGGCTGGGGAGAGAGGAAGG-3'
Protein context (NP_001243474.1, residues 939-959): SPHVNNRDRM[Thr949=]VTKSKNNQLF